The following is an entry in ClinVar:

ClinVar aggregate classification (germline): Uncertain significance (1 of 4 stars; one submission).

Allele frequency attached by ClinVar (database versions not stated): gnomAD exomes below 0.00001.
gnomAD v4.1: 5 of 1,613,746 alleles (0.00031%); highest among the groups gnomAD compares: Middle Eastern, 0.017%; no homozygotes.

Submission:

Labcorp Genetics (formerly Invitae), Labcorp
Classification: Uncertain significance. Last evaluated: 2023-11-07. Review status: criteria provided, single submitter. Criteria: Invitae Variant Classification Sherloc (09022015). Collection method: clinical testing. Allele origin: germline.
Comment: This sequence change replaces histidine, which is basic and polar, with arginine, which is basic and polar, at codon 1587 of the CPLANE1 protein (p.His1587Arg). This variant is not present in population databases (gnomAD no frequency). This variant has not been reported in the literature in individuals affected with CPLANE1-related conditions. ClinVar contains an entry for this variant (Variation ID: 2163067). Advanced modeling of protein sequence and biophysical properties (such as structural, functional, and spatial information, amino acid conservation, physicochemical variation, residue mobility, and thermodynamic stability) performed at Invitae indicates that this missense variant is not expected to disrupt CPLANE1 protein function with a negative predictive value of 95%. In summary, the available evidence is currently insufficient to determine the role of this variant in disease. Therefore, it has been classified as a Variant of Uncertain Significance.

NM_001384732.1(CPLANE1):c.4760A>G (p.His1587Arg)

Gene: CPLANE1 (ciliogenesis and planar polarity effector complex subunit 1; minus strand). Cytogenetic location: 5p13.2.
Variant type: single nucleotide variant.
Coding change: c.4760A>G on transcript NM_001384732.1 (MANE Select); coding-DNA position 4760, A replaced by G.
Protein change: p.His1587Arg; replaces histidine 1587 with arginine.
Molecular consequence: missense variant.
Genome position (GRCh38, 1-based): chr5:37,183,421, T>C on the plus strand (A>G on the coding strand, the complement: CPLANE1 is on the minus strand). VCF-style: chr5-37183421-T-C. GRCh37 (hg19) VCF-style: chr5-37183523-T-C.
Other names: c.4760A>G, p.His1587Arg (NM_023073.4); short protein forms H1587R.
Identifiers: ClinVar variation 2163067 (VCV002163067.4), dbSNP rs938918381, ClinGen allele CA117069221.